The following is an entry in ClinVar:

ClinVar aggregate classification (germline): Uncertain significance (1 of 4 stars; one submission).

Conditions:
Kleefstra syndrome 1 (KLEFS1). Identifiers: Orphanet 261494, MedGen C0795833, MONDO:0027407, OMIM 610253.

Allele frequency attached by ClinVar (database versions not stated): gnomAD exomes below 0.00001.
gnomAD v4.1: 1 of 1,614,034 alleles (0.000062%); highest among the groups gnomAD compares: Admixed American, 0.0017%; no homozygotes.

Submission:

Labcorp Genetics (formerly Invitae), Labcorp
Classification: Uncertain significance for Kleefstra syndrome 1. Last evaluated: 2022-08-13. Review status: criteria provided, single submitter. Criteria: Invitae Variant Classification Sherloc (09022015). Collection method: clinical testing. Allele origin: germline.
Comment: In summary, the available evidence is currently insufficient to determine the role of this variant in disease. Therefore, it has been classified as a Variant of Uncertain Significance. Algorithms developed to predict the effect of missense changes on protein structure and function are either unavailable or do not agree on the potential impact of this missense change (SIFT: "Deleterious"; PolyPhen-2: "Probably Damaging"; Align-GVGD: "Class C0"). This variant has not been reported in the literature in individuals affected with EHMT1-related conditions. This variant is not present in population databases (gnomAD no frequency). This sequence change replaces glycine, which is neutral and non-polar, with valine, which is neutral and non-polar, at codon 411 of the EHMT1 protein (p.Gly411Val).

NM_024757.5(EHMT1):c.1232G>T (p.Gly411Val)

Gene: EHMT1 (euchromatic histone lysine methyltransferase 1; plus strand). Cytogenetic location: 9q34.3.
Variant type: single nucleotide variant.
Coding change: c.1232G>T on transcript NM_024757.5 (MANE Select); coding-DNA position 1232, G replaced by T.
Protein change: p.Gly411Val; replaces glycine 411 with valine.
Molecular consequence: missense variant.
Genome position (GRCh38, 1-based): chr9:137,752,392, G>T. VCF-style: chr9-137752392-G-T. GRCh37 (hg19) VCF-style: chr9-140646844-G-T.
Other names: c.1232G>T, p.Gly411Val (NM_001145527.2, NM_001354611.2); c.1139G>T, p.Gly380Val (NM_001354259.2, NM_001354612.2); c.1211G>T, p.Gly404Val (NM_001354263.2); short protein forms G404V, G411V, G380V.
Identifiers: ClinVar variation 2086170 (VCV002086170.4), dbSNP rs2541783541, ClinGen allele CA375761529.
Genomic context (GRCh38, chr9:137,752,392, plus strand): 5'-TGGACGGGGAGTCCGAGGAGGAGCAGGAGTCCGTGGACACCGGGGAGGAGGAGGAAGGCG[G>T]TGACGAGTCTGACCTGGTAATGCCCAGCGCCTCCTCCTGCGTCTGTGCTGATGTAGAGGA-3'
Protein context (NP_079033.4, residues 401-421): SVDTGEEEEG[Gly411Val]DESDLSSESS